The following is an entry in ClinVar:

ClinVar aggregate classification (germline): Conflicting classifications of pathogenicity. Review status: criteria provided, conflicting classifications (1 of 4 stars). 2 submissions from 2 submitters: Likely pathogenic (1); Uncertain significance (1). Last evaluated 2024-08-11.

Conditions:
Intellectual disability-epilepsy-extrapyramidal syndrome (NEDHELS). Also called: Dyskinesia, seizures, and intellectual developmental disorder. Identifiers: Orphanet 468620, MedGen C4310683, MONDO:0014952, OMIM 617171.

Allele frequency attached by ClinVar (database versions not stated): ExAC 0.00001; TOPMed 0.00001; gnomAD 0.00002; 1000 Genomes Project 0.00020; 1000 Genomes Project 30x 0.00031.
gnomAD v4.1: 3 of 1,614,140 alleles (0.00019%); highest among the groups gnomAD compares: South Asian, 0.0011%; no homozygotes.

Submissions (2):

Labcorp Genetics (formerly Invitae), Labcorp
Classification: Likely pathogenic. Last evaluated: 2024-08-11. Review status: criteria provided, single submitter. Criteria: Invitae Variant Classification Sherloc (09022015). Collection method: clinical testing. Allele origin: germline.
Comment: This sequence change replaces arginine, which is basic and polar, with glutamine, which is neutral and polar, at codon 226 of the DEAF1 protein (p.Arg226Gln). This variant is present in population databases (rs554159675, gnomAD 0.003%). This variant has not been reported in the literature in individuals affected with DEAF1-related conditions. ClinVar contains an entry for this variant (Variation ID: 1709471). Advanced modeling of protein sequence and biophysical properties (such as structural, functional, and spatial information, amino acid conservation, physicochemical variation, residue mobility, and thermodynamic stability) performed at Invitae indicates that this missense variant is expected to disrupt DEAF1 protein function with a positive predictive value of 95%. This variant disrupts the p.Arg226 amino acid residue in DEAF1. Other variant(s) that disrupt this residue have been determined to be pathogenic (PMID: 24668509, 26834045, 28940898). This suggests that this residue is clinically significant, and that variants that disrupt this residue are likely to be disease-causing. In summary, the currently available evidence indicates that the variant is pathogenic, but additional data are needed to prove that conclusively. Therefore, this variant has been classified as Likely Pathogenic.

MGZ Medical Genetics Center
Classification: Uncertain significance for Intellectual disability-epilepsy-extrapyramidal syndrome. Last evaluated: 2022-06-30. Review status: criteria provided, single submitter. Criteria: ACMG Guidelines, 2015. Collection method: clinical testing. Allele origin: germline. Affected: yes. Observed: 2 variant alleles.
Comment: ACMG criteria applied: PM1, PM5, PM2_SUP

Literature cited by the submitters: PubMed 24668509 (cited by Labcorp Genetics (formerly Invitae), Labcorp); PubMed 26834045 (cited by Labcorp Genetics (formerly Invitae), Labcorp); PubMed 28940898 (cited by Labcorp Genetics (formerly Invitae), Labcorp).

NM_021008.4(DEAF1):c.677G>A (p.Arg226Gln)

Gene: DEAF1 (DEAF1 transcription factor; minus strand). Cytogenetic location: 11p15.5.
Variant type: single nucleotide variant.
Coding change: c.677G>A on transcript NM_021008.4 (MANE Select); coding-DNA position 677, G replaced by A.
Protein change: p.Arg226Gln; replaces arginine 226 with glutamine.
Molecular consequence: missense variant. On other transcripts: 5 prime UTR variant (4), intron variant (1).
Genome position (GRCh38, 1-based): chr11:686,985, C>T on the plus strand (G>A on the coding strand, the complement: DEAF1 is on the minus strand). VCF-style: chr11-686985-C-T. GRCh37 (hg19) VCF-style: chr11-686985-C-T.
Other names: c.-50G>A (NM_001367390.1, NM_001440885.1, NM_001440886.1 and 1 more transcripts); c.677G>A, p.Arg226Gln (NM_001440883.1, NM_001440884.1); c.664+926G>A (NM_001293634.2); short protein forms R226Q.
Identifiers: ClinVar variation 1709471 (VCV001709471.4), dbSNP rs554159675, ClinGen allele CA5786448.